The following is an entry in ClinVar:

ClinVar aggregate classification (germline): Pathogenic (1 of 4 stars; one submission).

Conditions:
Low phospholipid associated cholelithiasis (GBD1). Also called: Gallbladder disease 1; Gallstone cholecystitis. Identifiers: Orphanet 69663, MedGen C2609268, MONDO:0010939, OMIM 600803.

Submission:

Genomenon, Inc
Classification: Pathogenic for Low phospholipid associated cholelithiasis. Last evaluated: 2026-04-14. Review status: criteria provided, single submitter. Criteria: Genomenon Sequence Variant Interpretation Standards - Updated. Collection method: curation. Allele origin: germline. Affected: yes.
Comment: ABCB4 p.Met301GlyfsTer54 (c.900_901del) is a frameshift variant that results in the production of a truncated protein which is predicted to undergo nonsense-mediated mRNA decay. This variant has been observed in at least one proband with an ABCB4-related disorder (PMID:37818704). It is absent or not present at a significant frequency in gnomAD. In conclusion, we classify ABCB4 p.Met301GlyfsTer54 (c.900_901del) as a pathogenic variant.

Literature cited by the submitters: PubMed 37818704.

NM_000443.4(ABCB4):c.900_901del (p.Met301fs)

Gene: ABCB4 (ATP binding cassette subfamily B member 4; minus strand). Cytogenetic location: 7q21.12.
Variant type: Deletion.
Coding change: c.900_901del on transcript NM_000443.4 (MANE Select); coding-DNA positions 900 to 901, 2 bases deleted (CA; older notation c.900_901delCA).
Protein change: p.Met301fs; shifts the reading frame from methionine 301.
Molecular consequence: frameshift variant.
Genome position (GRCh38, 1-based): chr7:87,447,138-87,447,139, TG deleted on the plus strand (CA on the coding strand, the reverse complement: ABCB4 is on the minus strand). VCF-style (leftmost placement, unchanged base first): chr7-87447137-ATG-A. GRCh37 (hg19) VCF-style: chr7-87076453-ATG-A.
Other names: c.900_901del, p.Met301fs (NM_018849.3, NM_018850.3); short protein forms M301fs.
Identifiers: ClinVar variation 4846557 (VCV004846557.1).
Genomic context (GRCh38, chr7:87,447,137, plus strand): 5'-GTGGATCCATACCAGAAGGCCAGTGCATATGATGCATATATTAACAGGAAGGCAATACCC[ATG>A]GAAATGTTTGCTGAAATAGCTTTTTTAATTCCAATCTCTTTGGCATTTTCTAAATGTTTC-3'